The following is an entry in ClinVar:

NM_003742.4(ABCB11):c.2609G>A (p.Gly870Glu)

Gene: ABCB11 (ATP binding cassette subfamily B member 11; minus strand). Cytogenetic location: 2q31.1.
Variant type: single nucleotide variant.
Coding change: c.2609G>A on transcript NM_003742.4 (MANE Select); coding-DNA position 2609, G replaced by A.
Protein change: p.Gly870Glu; replaces glycine 870 with glutamic acid.
Molecular consequence: missense variant.
Genome position (GRCh38, 1-based): chr2:168,944,606, C>T on the plus strand (G>A on the coding strand, the complement: ABCB11 is on the minus strand). VCF-style: chr2-168944606-C-T. GRCh37 (hg19) VCF-style: chr2-169801116-C-T.
Other names: short protein forms G870E.
Identifiers: ClinVar variation 4688216 (VCV004688216.1).
Genomic context (GRCh38, chr2:168,944,606, plus strand): 5'-CTCTAATGAAAGAATGCCAATGCAGTTAATATACTTCTATTTCCCCTCCCATAGCTCACC[C>T]CTTGAACTTGGGAAGCATCTGTAGCAAGTCTTGTTGTCAATGCTCCAGGGCTATTTCTGA-3'
Protein context (NP_003733.2, residues 860-880): RLATDASQVQ[Gly870Glu]AAGSQIGMIV

ClinVar aggregate classification (germline): Uncertain significance (1 of 4 stars; one submission).

Submission:

Women's Health and Genetics/Laboratory Corporation of America, LabCorp
Classification: Uncertain significance. Last evaluated: 2025-12-18. Review status: criteria provided, single submitter. Criteria: LabCorp Variant Classification Summary - May 2015. Collection method: clinical testing. Allele origin: germline.
Comment: Variant summary: ABCB11 c.2609G>A (p.Gly870Glu) results in a non-conservative amino acid change in the encoded protein sequence. Algorithms developed to predict the effect of missense changes on protein structure and function all suggest that this variant is likely to be disruptive. Consensus agreement among computation tools predict no significant impact on normal splicing. However, these predictions have yet to be confirmed by functional studies. The variant was absent in 242616 control chromosomes (gnomAD). The available data on variant occurrences in the general population are insufficient to allow any conclusion about variant significance. To our knowledge, no occurrence of c.2609G>A in individuals affected with ABCB11-related conditions and no experimental evidence demonstrating its impact on protein function have been reported. No submitters have cited clinical-significance assessments for this variant to ClinVar. Based on the evidence outlined above, the variant was classified as uncertain significance.